The following is an entry in ClinVar:

ClinVar aggregate classification (germline): Uncertain significance. Review status: criteria provided, multiple submitters, no conflicts (2 of 4 stars). 3 submissions from 3 submitters: Uncertain significance (3). Last evaluated 2026-04-14.

Conditions:
IFT74-related disorder. Also called: IFT74-related condition; IFT74-Related Disorders.
Inborn genetic diseases. Identifiers: MedGen C0950123, MeSH D030342.

Allele frequency attached by ClinVar (database versions not stated): gnomAD exomes below 0.00001; ExAC 0.00001; gnomAD 0.00001.
gnomAD v4.1: 3 of 1,599,364 alleles (0.00019%); highest among the groups gnomAD compares: Admixed American, 0.0034%; no homozygotes.

Submissions (3):

PreventionGenetics, part of Exact Sciences
Classification: Uncertain significance for IFT74-related condition. Last evaluated: 2026-04-14. Review status: criteria provided, single submitter. Criteria: ACMG Guidelines, 2015. Collection method: clinical testing. Allele origin: germline.
Comment: The IFT74 c.1235C>G variant is predicted to result in the amino acid substitution p.Ser412Cys. To our knowledge, this variant has not been reported in the literature. This variant is reported in 0.0030% of alleles in individuals of Latino descent in gnomAD. At this time, the clinical significance of this variant is uncertain due to the absence of conclusive functional and genetic evidence.

Ambry Genetics
Classification: Uncertain significance for Inborn genetic diseases. Last evaluated: 2025-09-24. Review status: criteria provided, single submitter. Criteria: Ambry Variant Classification Scheme 2023. Collection method: clinical testing. Allele origin: germline.

Labcorp Genetics (formerly Invitae), Labcorp
Classification: Uncertain significance. Last evaluated: 2022-08-10. Review status: criteria provided, single submitter. Criteria: Invitae Variant Classification Sherloc (09022015). Collection method: clinical testing. Allele origin: germline.
Comment: This sequence change replaces serine, which is neutral and polar, with cysteine, which is neutral and slightly polar, at codon 412 of the IFT74 protein (p.Ser412Cys). This variant is present in population databases (rs769581193, gnomAD 0.003%). This variant has not been reported in the literature in individuals affected with IFT74-related conditions. Algorithms developed to predict the effect of missense changes on protein structure and function are either unavailable or do not agree on the potential impact of this missense change (SIFT: "Deleterious"; PolyPhen-2: "Benign"; Align-GVGD: "Class C0"). In summary, the available evidence is currently insufficient to determine the role of this variant in disease. Therefore, it has been classified as a Variant of Uncertain Significance.

NM_025103.4(IFT74):c.1235C>G (p.Ser412Cys)

Gene: IFT74 (intraflagellar transport 74; plus strand). Cytogenetic location: 9p21.2.
Variant type: single nucleotide variant.
Coding change: c.1235C>G on transcript NM_025103.4 (MANE Select); coding-DNA position 1235, C replaced by G.
Protein change: p.Ser412Cys; replaces serine 412 with cysteine.
Molecular consequence: missense variant.
Genome position (GRCh38, 1-based): chr9:27,048,176, C>G. VCF-style: chr9-27048176-C-G. GRCh37 (hg19) VCF-style: chr9-27048174-C-G.
Other names: c.1235C>G (NM_001099222.1, NM_025103.2); c.1235C>G, p.Ser412Cys (NM_001099222.3, NM_001099223.3, NM_001349928.2); short protein forms S412C.
Identifiers: ClinVar variation 2086390 (VCV002086390.5), dbSNP rs769581193, ClinGen allele CA5015613.